The following is an entry in ClinVar:

ClinVar aggregate classification (germline): Uncertain significance (1 of 4 stars; one submission).

Conditions:
Inborn genetic diseases. Identifiers: MedGen C0950123, MeSH D030342.

Submission:

Ambry Genetics
Classification: Uncertain significance for Inborn genetic diseases. Last evaluated: 2026-09-09. Review status: criteria provided, single submitter. Criteria: Ambry Variant Classification Scheme 2023. Collection method: clinical testing. Allele origin: germline.
Comment: The p.S535L variant (also known as c.1604C>T), located in coding exon 17 of the FANCA gene, results from a C to T substitution at nucleotide position 1604. The serine at codon 535 is replaced by leucine, an amino acid with dissimilar properties. This amino acid position is conserved. In addition, the in silico prediction for this alteration is inconclusive. Based on the available evidence, the clinical significance of this variant remains unclear.

NM_000135.4(FANCA):c.1604C>T (p.Ser535Leu)

Gene: FANCA (FA complementation group A; minus strand). Cytogenetic location: 16q24.3.
Variant type: single nucleotide variant.
Coding change: c.1604C>T on transcript NM_000135.4 (MANE Select); coding-DNA position 1604, C replaced by T.
Protein change: p.Ser535Leu; replaces serine 535 with leucine.
Molecular consequence: missense variant.
Genome position (GRCh38, 1-based): chr16:89,782,881, G>A on the plus strand (C>T on the coding strand, the complement: FANCA is on the minus strand). VCF-style: chr16-89782881-G-A. GRCh37 (hg19) VCF-style: chr16-89849289-G-A.
Other names: c.1604C>T, p.Ser535Leu (NM_001286167.3); short protein forms S535L.
Identifiers: ClinVar variation 5036453 (VCV005036453.1).